The following is an entry in ClinVar:

NM_030667.3(PTPRO):c.2127A>G (p.Arg709=)

Genes: PTPRO (protein tyrosine phosphatase receptor type O; plus strand), LOC126861467 (CDK7 strongly-dependent group 2 enhancer GRCh37_chr12:15678492-15679691; plus strand). Cytogenetic location: 12p12.3.
Variant type: single nucleotide variant.
Coding change: c.2127A>G on transcript NM_030667.3 (MANE Select); coding-DNA position 2127, A replaced by G.
Protein change: p.Arg709=; no amino-acid change (arginine 709 retained).
Molecular consequence: synonymous variant.
Genome position (GRCh38, 1-based): chr12:15,526,225, A>G. VCF-style: chr12-15526225-A-G. GRCh37 (hg19) VCF-style: chr12-15679159-A-G.
Other names: c.2127A>G, p.Arg709= (NM_002848.4).
Identifiers: ClinVar variation 3574486 (VCV003574486.5).
Genomic context (GRCh38, chr12:15,526,225, plus strand): 5'-AATTCTCAGCTTGCCTCCAGGCGACATCTATAACCTCTCAGTAACTGCTTGTACTGAAAG[A>G]GGAAGTAATACCTCCATGCTCCGCCTTGTCAAGCTAGGTAAGAAGAGTGCACAGAGATGG-3'
Protein context (NP_109592.1, residues 699-719): YNLSVTACTE[Arg709=]GSNTSMLRLV

ClinVar aggregate classification (germline): Conflicting classifications of pathogenicity. Review status: criteria provided, conflicting classifications (1 of 4 stars). 3 submissions from 3 submitters: Uncertain significance (1); Likely benign (2). Last evaluated 2026-06-01.

Conditions:
Nephrotic syndrome, type 6 (NPHS6). Identifiers: Orphanet 656, MedGen C3280100, MONDO:0013619, OMIM 614196.

gnomAD v4.1: 23 of 1,613,886 alleles (0.0014%); highest among the groups gnomAD compares: African/African-American, 0.021%; no homozygotes.

Submissions (3):

CeGaT Center for Human Genetics Tuebingen
Classification: Likely benign. Last evaluated: 2026-06-01. Review status: criteria provided, single submitter. Criteria: CeGaT Center For Human Genetics Tuebingen Variant Classification Criteria Version 2. Collection method: clinical testing. Allele origin: germline. Affected: yes. Observed: 1 variant allele.
Comment: PTPRO: BP4, BP7

Labcorp Genetics (formerly Invitae), Labcorp
Classification: Likely benign. Last evaluated: 2025-06-12. Review status: criteria provided, single submitter. Criteria: Invitae Variant Classification Sherloc (09022015). Collection method: clinical testing. Allele origin: germline.

Fulgent Genetics
Classification: Uncertain significance for Nephrotic syndrome, type 6. Last evaluated: 2024-01-30. Review status: criteria provided, single submitter. Criteria: ACMG Guidelines, 2015. Collection method: clinical testing. Allele origin: germline.